The following is an entry in ClinVar:

NM_020366.4(RPGRIP1):c.2983_2985del (p.Lys995del)

Gene: RPGRIP1 (RPGR interacting protein 1; plus strand). Cytogenetic location: 14q11.2.
Variant type: Deletion.
Coding change: c.2983_2985del on transcript NM_020366.4 (MANE Select); coding-DNA positions 2983 to 2985, 3 bases deleted (AAG; older notation c.2983_2985delAAG).
Protein change: p.Lys995del; deletes lysine 995.
Genome position (GRCh38, 1-based): chr14:21,328,511-21,328,513, AAG deleted; deleting any 3 consecutive bases within chr14:21,328,509-21,328,513 gives the same sequence; the c. name uses the placement nearest the transcript's 3' end. VCF-style (leftmost placement, unchanged base first): chr14-21328508-GAGA-G. GRCh37 (hg19) VCF-style: chr14-21796667-GAGA-G.
Other names: c.2983_2985delAAG (NM_020366.3); c.961_963del, p.Lys321del (NM_001377523.1, NM_001377950.1); c.1909_1911del, p.Lys637del (NM_001377948.1); c.1069_1071del, p.Lys357del (NM_001377949.1); c.463_465del, p.Lys155del (NM_001377951.1); short protein forms K155del, K995del, K357del, K637del, K321del.
Identifiers: ClinVar variation 4920938 (VCV004920938.2).

ClinVar aggregate classification (germline): Uncertain significance. Review status: criteria provided, multiple submitters, no conflicts (2 of 4 stars). 2 submissions from 2 submitters: Uncertain significance (2). Last evaluated 2026-03-07.

Conditions:
RPGRIP1-related disorder. Also called: RPGRIP1-related condition.

Submissions (2):

PreventionGenetics, part of Exact Sciences
Classification: Uncertain significance for RPGRIP1-related condition. Last evaluated: 2026-03-07. Review status: criteria provided, single submitter. Criteria: ACMG Guidelines, 2015. Collection method: clinical testing. Allele origin: germline.
Comment: The RPGRIP1 c.2983_2985delAAG variant is predicted to result in an in-frame deletion (p.Lys995del). To our knowledge, this variant has not been reported in the literature or in a large population database (gnomAD), indicating this variant is rare. At this time, the clinical significance of this variant is uncertain due to the absence of conclusive functional and genetic evidence.

Blueprint Genetics
Classification: Uncertain significance. Last evaluated: 2023-11-16. Review status: criteria provided, single submitter. Criteria: ACMG Guidelines, 2015. Collection method: clinical testing. Allele origin: germline.